The following is an entry in ClinVar:

NM_000091.5(COL4A3):c.139dup (p.Glu47fs)

Genes: COL4A3 (collagen type IV alpha 3 chain; plus strand), MFF-DT (MFF divergent transcript; minus strand). Cytogenetic location: 2q36.3.
Variant type: Duplication.
Coding change: c.139dup on transcript NM_000091.5 (MANE Select); coding-DNA position 139, one base duplicated (G; older notation c.139dupG).
Protein change: p.Glu47fs; shifts the reading frame from glutamic acid 47.
Molecular consequence: frameshift variant.
Genome position (GRCh38, 1-based): chr2:227,238,019, G duplicated; the last of 4 consecutive G bases (chr2:227,238,016-227,238,019); duplicating any one gives the same sequence. VCF-style (leftmost placement, unchanged base first): chr2-227238015-A-AG. GRCh37 (hg19) VCF-style: chr2-228102731-A-AG.
Other names: short protein forms E47fs.
Identifiers: ClinVar variation 5012344 (VCV005012344.1).

ClinVar aggregate classification (germline): Pathogenic (1 of 4 stars; one submission).

Conditions:
Alport syndrome. Also called: Hemorrhagic familial nephritis; Hemorrhagic hereditary nephritis; Congenital hereditary hematuria. Identifiers: Orphanet 63, MedGen C1567741, MONDO:0018965.

Submission:

Myriad Genetics, Inc.
Classification: Pathogenic for Alport syndrome. Last evaluated: 2023-09-30. Review status: criteria provided, single submitter. Criteria: Myriad Autosomal Dominant, Autosomal Recessive and X-Linked Classification Criteria (2023). Collection method: clinical testing. Allele origin: unknown.
Comment: NM_000091.4(COL4A3):c.139dupG(E47Gfs*23) is expected to be pathogenic in the context of Alport syndrome, COL4A3-related. This variant is predicted to lead to an abnormal or absent protein product due to the creation of a premature termination codon in COL4A3, a gene where loss-of-function variants are known to be pathogenic. Please note: this variant was assessed in the context of healthy population screening.